The following is an entry in ClinVar:

NM_021096.4(CACNA1I):c.1993-6C>T

Gene: CACNA1I (calcium voltage-gated channel subunit alpha1 I; plus strand). Cytogenetic location: 22q13.1.
Variant type: single nucleotide variant.
Coding change: c.1993-6C>T on transcript NM_021096.4 (MANE Select); 6 bases into the intron before coding-DNA position 1993, C replaced by T.
Molecular consequence: intron variant.
Genome position (GRCh38, 1-based): chr22:39,658,146, C>T. VCF-style: chr22-39658146-C-T. GRCh37 (hg19) VCF-style: chr22-40054151-C-T.
Other names: c.1888-6C>T (NM_001003406.2).
Identifiers: ClinVar variation 3046971 (VCV003046971.2), dbSNP rs1335580570, ClinGen allele CA639418228.
Genomic context (GRCh38, chr22:39,658,146, plus strand): 5'-CAGAGGGGATCCACAGCTGCCCTCTGGCCTGACCGGGTCTCCATTCCCCACCCCAATGCC[C>T]CACAGCCGGAGGAGCTGACCAACATCCTGGAGATCTGCAATGTGGTCTTCACCAGCATGT-3'

ClinVar aggregate classification (germline): Likely benign (0 of 4 stars; one submission).

Conditions:
CACNA1I-related disorder. Also called: CACNA1I-related condition.

Allele frequency attached by ClinVar (database versions not stated): gnomAD exomes below 0.00001; TOPMed below 0.00001; gnomAD 0.00001.
gnomAD v4.1: 5 of 1,613,526 alleles (0.00031%); highest among the groups gnomAD compares: Middle Eastern, 0.017%; no homozygotes.

Submission:

PreventionGenetics, part of Exact Sciences
Classification: Likely benign for CACNA1I-related condition. Last evaluated: 2019-03-26. Review status: no assertion criteria provided. Collection method: clinical testing. Allele origin: germline.
Comment: This variant is classified as likely benign based on ACMG/AMP sequence variant interpretation guidelines (Richards et al. 2015 PMID: 25741868, with internal and published modifications).